The following is an entry in ClinVar:

NM_002691.4(POLD1):c.2454dup (p.Asp819fs)

Gene: POLD1 (DNA polymerase delta 1, catalytic subunit; plus strand). Cytogenetic location: 19q13.33.
Variant type: Duplication.
Coding change: c.2454dup on transcript NM_002691.4 (MANE Select); coding-DNA position 2454, one base duplicated (C; older notation c.2454dupC).
Protein change: p.Asp819fs; shifts the reading frame from aspartic acid 819.
Molecular consequence: frameshift variant. On other transcripts: non-coding transcript variant (1).
Genome position (GRCh38, 1-based): chr19:50,414,880, C duplicated; the last of 3 consecutive C bases (chr19:50,414,878-50,414,880); duplicating any one gives the same sequence. VCF-style (leftmost placement, unchanged base first): chr19-50414877-G-GC. GRCh37 (hg19) VCF-style: chr19-50918134-G-GC.
Other names: c.2532dup, p.Asp845fs (NM_001308632.1); c.2454dup, p.Asp819fs (NM_001256849.1); c.2454dupC (NM_002691.2); short protein forms D819fs, D845fs.
Identifiers: ClinVar variation 3002696 (VCV003002696.4), dbSNP rs2122465412, ClinGen allele CA2586571212.
Genomic context (GRCh38, chr19:50,414,877, plus strand): 5'-CTACTTCCCATACCTGCTTATCAGCAAGAAGCGCTACGCGGGCCTGCTCTTCTCCTCCCG[G>GC]CCCGACGCCCACGACCGCATGGACTGCAAGGGCCTGGAGGCCGTGCGCAGGGACAACTGC-3'

ClinVar aggregate classification (germline): Uncertain significance. Review status: criteria provided, multiple submitters, no conflicts (2 of 4 stars). 2 submissions from 2 submitters: Uncertain significance (2). Last evaluated 2026-01-30.

Conditions:
Hereditary cancer-predisposing syndrome. Also called: Tumor predisposition; Neoplastic Syndromes, Hereditary; Hereditary Cancer Syndrome; Hereditary neoplastic syndrome. Identifiers: Orphanet 140162, MedGen C0027672, MeSH D009386, MONDO:0015356.
POLD1-related polyposis and colorectal cancer syndrome (CRCS10). Also called: Colorectal cancer 10; COLORECTAL CANCER, SUSCEPTIBILITY TO, ON CHROMOSOME 19q; Colorectal cancer, susceptibility to, 10. Identifiers: Orphanet 220460, MedGen C2675481, MONDO:0012953, OMIM 612591.

Submissions (2):

Ambry Genetics
Classification: Uncertain significance for Hereditary cancer-predisposing syndrome. Last evaluated: 2026-01-30. Review status: criteria provided, single submitter. Criteria: Ambry Variant Classification Scheme 2023. Collection method: clinical testing. Allele origin: germline.
Comment: The c.2454dupC variant, located in coding exon 19 of the POLD1 gene, results from a duplication of C at nucleotide position 2454, causing a translational frameshift with a predicted alternate stop codon (p.D819Rfs*40). This alteration is expected to result in loss of function by premature protein truncation or nonsense-mediated mRNA decay. However, loss of function has not been established as a mechanism of disease. Based on the available evidence, the clinical significance of this variant remains unclear.

Labcorp Genetics (formerly Invitae), Labcorp
Classification: Uncertain significance for POLD1-related polyposis and colorectal cancer syndrome. Last evaluated: 2024-08-06. Review status: criteria provided, single submitter. Criteria: Invitae Variant Classification Sherloc (09022015). Collection method: clinical testing. Allele origin: germline.
Comment: This sequence change creates a premature translational stop signal (p.Asp819Argfs*40) in the POLD1 gene. Missense variants that disrupt the 3'-5' exonuclease (proof-reading) activity of the POLD1 protein are associated with PPAP (polymerase proofreading–associated polyposis) (PMID: 23263490, 23447401). However, loss-of-function variants that result in an absent or severely disrupted POLD1 protein, and missense variants outside the exonuclease domain, are unlikely to be associated with PPAP. This variant is not present in population databases (gnomAD no frequency). This premature translational stop signal has been observed in individual(s) with POLD1-related conditions (PMID: 35534704). In summary, the available evidence is currently insufficient to determine the role of this variant in disease. Therefore, it has been classified as a Variant of Uncertain Significance.

Literature cited by the submitters: PubMed 23263490 (cited by Labcorp Genetics (formerly Invitae), Labcorp); PubMed 23447401 (cited by Labcorp Genetics (formerly Invitae), Labcorp); PubMed 35534704 (cited by Labcorp Genetics (formerly Invitae), Labcorp).